The following is an entry in ClinVar:

ClinVar aggregate classification (germline): Uncertain significance (1 of 4 stars; one submission).

Conditions:
Hereditary cancer-predisposing syndrome. Also called: Hereditary Cancer Syndrome; Hereditary neoplastic syndrome; Neoplastic Syndromes, Hereditary; Tumor predisposition. Identifiers: Orphanet 140162, MedGen C0027672, MeSH D009386, MONDO:0015356.

Submission:

Ambry Genetics
Classification: Uncertain significance for Hereditary cancer-predisposing syndrome. Last evaluated: 2021-11-23. Review status: criteria provided, single submitter. Criteria: Ambry Variant Classification Scheme 2023. Collection method: clinical testing. Allele origin: germline.
Comment: The p.P437R variant (also known as c.1310C>G), located in coding exon 10 of the NBN gene, results from a C to G substitution at nucleotide position 1310. The proline at codon 437 is replaced by arginine, an amino acid with dissimilar properties. This amino acid position is conserved. In addition, this alteration is predicted to be tolerated by in silico analysis. Since supporting evidence is limited at this time, the clinical significance of this alteration remains unclear.

NM_002485.5(NBN):c.1310C>G (p.Pro437Arg)

Gene: NBN (nibrin; minus strand). Cytogenetic location: 8q21.3.
Variant type: single nucleotide variant.
Coding change: c.1310C>G on transcript NM_002485.5 (MANE Select); coding-DNA position 1310, C replaced by G.
Protein change: p.Pro437Arg; replaces proline 437 with arginine.
Molecular consequence: missense variant.
Genome position (GRCh38, 1-based): chr8:89,955,370, G>C on the plus strand (C>G on the coding strand, the complement: NBN is on the minus strand). VCF-style: chr8-89955370-G-C. GRCh37 (hg19) VCF-style: chr8-90967598-G-C.
Other names: c.1064C>G, p.Pro355Arg (NM_001024688.3); short protein forms P437R, P355R.
Identifiers: ClinVar variation 1769649 (VCV001769649.2), dbSNP rs2488243320, ClinGen allele CA371656144.